The following is an entry in ClinVar:

NM_000059.4(BRCA2):c.9345G>C (p.Lys3115Asn)

Gene: BRCA2 (BRCA2 DNA repair associated; plus strand). Cytogenetic location: 13q13.1.
Variant type: single nucleotide variant.
Coding change: c.9345G>C on transcript NM_000059.4 (MANE Select); coding-DNA position 9345, G replaced by C.
Protein change: p.Lys3115Asn; replaces lysine 3115 with asparagine.
Molecular consequence: missense variant.
Genome position (GRCh38, 1-based): chr13:32,394,777, G>C. VCF-style: chr13-32394777-G-C. GRCh37 (hg19) VCF-style: chr13-32968914-G-C.
Other names: short protein forms K3115N.
Identifiers: ClinVar variation 1049464 (VCV001049464.2), dbSNP rs2137652892, ClinGen allele CA387761064.

ClinVar aggregate classification (germline): Uncertain significance (0 of 4 stars; one submission).

Conditions:
Malignant tumor of breast. Also called: Malignant breast neoplasm; Cancer breast. Identifiers: MedGen C0006142, MONDO:0007254. Disease mechanism: loss of function.

Submission:

Department of Pathology and Laboratory Medicine, Sinai Health System
Classification: Uncertain significance for Malignant tumor of breast. Review status: no assertion criteria provided. Collection method: clinical testing. Allele origin: unknown. Affected: yes. Study: The Canadian Open Genetics Repository (COGR).
Comment: The BRCA2 p.Lys3115Asn variant was not identified in the literature nor was it identified in the following databases: dbSNP, ClinVar, Cosmic, MutDB, LOVD 3.0, UMD-LSDB, BIC Database, ARUP Laboratories, or Zhejiang Colon Cancer Database. The variant was not identified in the control databases: the 1000 Genomes Project, the NHLBI GO Exome Sequencing Project, the Exome Aggregation Consortium (August 8th 2016), or the Genome Aggregation Database (Feb 27, 2017). The p.Lys3115 residue is conserved in mammals and computational analyses (PolyPhen-2, SIFT, AlignGVGD, BLOSUM, MutationTaster) provide inconsistent predictions regarding the impact to the protein; this information is not very predictive of pathogenicity. The variant occurs outside of the splicing consensus sequence and 1 of 5 in silico or computational prediction software programs (SpliceSiteFinder, MaxEntScan, NNSPLICE, GeneSplicer, HumanSpliceFinder) predict a greater than 10% difference in splicing; this is also not very predictive of pathogenicity. In summary, based on the above information the clinical significance of this variant cannot be determined with certainty at this time. This variant is classified as a variant of uncertain significance.